The following is an entry in ClinVar:

NM_014049.5(ACAD9):c.442A>G (p.Ile148Val)

Gene: ACAD9 (acyl-CoA dehydrogenase family member 9; plus strand). Cytogenetic location: 3q21.3.
Variant type: single nucleotide variant.
Coding change: c.442A>G on transcript NM_014049.5 (MANE Select); coding-DNA position 442, A replaced by G.
Protein change: p.Ile148Val; replaces isoleucine 148 with valine.
Molecular consequence: missense variant. On other transcripts: non-coding transcript variant (1).
Genome position (GRCh38, 1-based): chr3:128,895,405, A>G. VCF-style: chr3-128895405-A-G. GRCh37 (hg19) VCF-style: chr3-128614248-A-G.
Other names: p.I148V:ATT>GTT; short protein forms I148V.
Identifiers: ClinVar variation 213995 (VCV000213995.12), dbSNP rs202119704, ClinGen allele CA321311.
Genomic context (GRCh38, chr3:128,895,405, plus strand): 5'-CTAGGGGAGATCATCAGCATGGATGGGTCCATCACTGTGACCCTGGCAGCGCACCAGGCT[A>G]TTGGCCTCAAGGTCAGGTATCTGGGGATTCTGTGTGGTGCTCTCTGTAGGTCTTCTGGAG-3'
Protein context (NP_054768.2, residues 138-158): ITVTLAAHQA[Ile148Val]GLKGIILAGT

ClinVar aggregate classification (germline): Conflicting classifications of pathogenicity. Review status: criteria provided, conflicting classifications (1 of 4 stars). 6 submissions from 6 submitters: Uncertain significance (4); Likely benign (1). 1 of the submissions does not count toward it. Last evaluated 2026-01-07.

Conditions:
Acyl-CoA dehydrogenase 9 deficiency. Also called: Acyl-CoA dehydrogenase family, member 9, deficiency of; MITOCHONDRIAL COMPLEX I DEFICIENCY, NUCLEAR TYPE 20. Identifiers: Orphanet 99901, MedGen C4747517, MONDO:0012624, OMIM 611126.

Allele frequency attached by ClinVar (database versions not stated): gnomAD 0.00011; TOPMed 0.00011; ESP Exome Variant Server 0.00015; gnomAD exomes 0.00015 and 0.00021; ExAC 0.00016.
gnomAD v4.1: 312 of 1,608,108 alleles (0.019%); highest among the groups gnomAD compares: Non-Finnish European, 0.025%; no homozygotes.

Submissions (6):

Labcorp Genetics (formerly Invitae), Labcorp
Classification: Uncertain significance. Last evaluated: 2026-01-07. Review status: criteria provided, single submitter. Criteria: Invitae Variant Classification Sherloc (09022015). Collection method: clinical testing. Allele origin: germline.
Comment: This sequence change replaces isoleucine, which is neutral and non-polar, with valine, which is neutral and non-polar, at codon 148 of the ACAD9 protein (p.Ile148Val). This variant is present in population databases (rs202119704, gnomAD 0.03%). This variant has not been reported in the literature in individuals affected with ACAD9-related conditions. ClinVar contains an entry for this variant (Variation ID: 213995). Invitae Evidence Modeling of protein sequence and biophysical properties (such as structural, functional, and spatial information, amino acid conservation, physicochemical variation, residue mobility, and thermodynamic stability) indicates that this missense variant is expected to disrupt ACAD9 protein function with a positive predictive value of 80%. In summary, the available evidence is currently insufficient to determine the role of this variant in disease. Therefore, it has been classified as a Variant of Uncertain Significance.

GeneDx
Classification: Uncertain significance. Last evaluated: 2024-12-31. Review status: criteria provided, single submitter. Criteria: GeneDx Variant Classification Process June 2021. Collection method: clinical testing. Allele origin: germline. Affected: yes.
Comment: In silico analysis indicates that this missense variant does not alter protein structure/function; Has not been previously published as pathogenic or benign to our knowledge

Blueprint Genetics
Classification: Likely benign. Last evaluated: 2024-07-29. Review status: criteria provided, single submitter. Criteria: ACMG Guidelines, 2015. Collection method: clinical testing. Allele origin: germline.

Clinical Genomics Laboratory, Stanford Medicine
Classification: Uncertain significance for Acyl-CoA dehydrogenase 9 deficiency. Last evaluated: 2023-05-03. Review status: criteria provided, single submitter. Criteria: ACMG Guidelines, 2015. Collection method: clinical testing. Allele origin: germline. Observed: 1 variant allele, 1 heterozygote.
Comment: The p.Ile148Val variant in the ACAD9 gene has not been previously reported in association with disease. This variant has been identified in 37/123,364 European non-Finnish chromosomes (41/270,806 chromosomes overall) by the Genome Aggregation Database. Although this variant has been seen in the general population, its frequency is low enough to be consistent with a recessive carrier frequency. This variant is present in ClinVar (Accession: VCV000213995.9). The isoleucine at position 148 is evolutionarily conserved. Computational tools predict that the p.Ile148Val variant is deleterious; however, the accuracy of in silico algorithms is limited. These data were assessed using the ACMG/AMP variant interpretation guidelines. In summary, the significance of the p.Ile148Val variant is uncertain. Additional information is needed to resolve the significance of this variant. [ACMG evidence codes used: PM2; PP3]

Illumina Laboratory Services, Illumina
Classification: Uncertain significance for Acyl-CoA dehydrogenase 9 deficiency. Last evaluated: 2018-01-13. Review status: criteria provided, single submitter. Criteria: ICSL Variant Classification Criteria 13 December 2019. Collection method: clinical testing. Allele origin: germline.

Natera, Inc.
Classification: Uncertain significance for ACAD9 deficiency. Last evaluated: 2020-04-23. Review status: no assertion criteria provided. Collection method: clinical testing. Allele origin: germline. Not counted in ClinVar's aggregate classification.